The following is an entry in ClinVar:

NM_006269.2(RP1):c.5265G>C (p.Arg1755Ser)

Genes: RP1 (RP1 axonemal microtubule associated; plus strand), LOC126860392 (CDK7 strongly-dependent group 2 enhancer GRCh37_chr8:55541319-55542518; plus strand). Cytogenetic location: 8q12.1.
Variant type: single nucleotide variant.
Coding change: c.5265G>C on transcript NM_006269.2 (MANE Select); coding-DNA position 5265, G replaced by C.
Protein change: p.Arg1755Ser; replaces arginine 1755 with serine.
Molecular consequence: missense variant. On other transcripts: intron variant (1).
Genome position (GRCh38, 1-based): chr8:54,629,147, G>C. VCF-style: chr8-54629147-G-C. GRCh37 (hg19) VCF-style: chr8-55541707-G-C.
Other names: c.787+6859G>C (NM_001375654.1); c.5265G>C (NM_006269.1); short protein forms R1755S.
Identifiers: ClinVar variation 1345175 (VCV001345175.10), dbSNP rs748386965, ClinGen allele CA4752029.
Genomic context (GRCh38, chr8:54,629,147, plus strand): 5'-AGAGGAAGGAGTACTGATTGACAAAGGCAAATGGCTTCTGAAAGAAAATCATTTGCTAAG[G>C]ATGTCATCTGAAAATCCTGGCATGTGTGGCAATGCAGACACCACATCAGTGGACACCCTA-3'
Protein context (NP_006260.1, residues 1745-1765): KWLLKENHLL[Arg1755Ser]MSSENPGMCG

ClinVar aggregate classification (germline): Uncertain significance. Review status: criteria provided, multiple submitters, no conflicts (2 of 4 stars). 3 submissions from 3 submitters: Uncertain significance (3). Last evaluated 2026-08-10.

Conditions:
RP1-related disorder. Also called: RP1-related condition.

Allele frequency attached by ClinVar (database versions not stated): gnomAD exomes below 0.00001 and 0.00001; ExAC 0.00001; TOPMed 0.00001.
gnomAD v4.1: 4 of 1,614,094 alleles (0.00025%); highest among the groups gnomAD compares: South Asian, 0.0033%; no homozygotes.

Submissions (3):

PreventionGenetics, part of Exact Sciences
Classification: Uncertain significance for RP1-related condition. Last evaluated: 2026-08-10. Review status: criteria provided, single submitter. Criteria: ACMG Guidelines, 2015. Collection method: clinical testing. Allele origin: germline.
Comment: The RP1 c.5265G>C variant is predicted to result in the amino acid substitution p.Arg1755Ser. To our knowledge, this variant has not been reported in the literature. This variant is present in 0.0065% of alleles in individuals of South Asian descent in gnomAD. At this time, the clinical significance of this variant is uncertain due to the absence of conclusive functional and genetic evidence.

Labcorp Genetics (formerly Invitae), Labcorp
Classification: Uncertain significance. Last evaluated: 2025-07-29. Review status: criteria provided, single submitter. Criteria: Invitae Variant Classification Sherloc (09022015). Collection method: clinical testing. Allele origin: germline.
Comment: This sequence change replaces arginine, which is basic and polar, with serine, which is neutral and polar, at codon 1755 of the RP1 protein (p.Arg1755Ser). This variant is present in population databases (rs748386965, gnomAD 0.006%). This missense change has been observed in individual(s) with clinical features of retinitis pigmentosa (internal data). ClinVar contains an entry for this variant (Variation ID: 1345175). An algorithm developed to predict the effect of missense changes on protein structure and function (PolyPhen-2) suggests that this variant is likely to be disruptive. In summary, the available evidence is currently insufficient to determine the role of this variant in disease. Therefore, it has been classified as a Variant of Uncertain Significance.

Blueprint Genetics
Classification: Uncertain significance. Last evaluated: 2024-06-12. Review status: criteria provided, single submitter. Criteria: ACMG Guidelines, 2015. Collection method: clinical testing. Allele origin: germline.